The following is an entry in ClinVar:

NM_005120.3(MED12):c.5147G>A (p.Arg1716Gln)

Gene: MED12 (mediator complex subunit 12; plus strand). Cytogenetic location: Xq13.1.
Variant type: single nucleotide variant.
Coding change: c.5147G>A on transcript NM_005120.3 (MANE Select); coding-DNA position 5147, G replaced by A.
Protein change: p.Arg1716Gln; replaces arginine 1716 with glutamine.
Molecular consequence: missense variant.
Genome position (GRCh38, 1-based): chrX:71,136,402, G>A. VCF-style: chrX-71136402-G-A. GRCh37 (hg19) VCF-style: chrX-70356252-G-A.
Other names: short protein forms R1716Q.
Identifiers: ClinVar variation 4697887 (VCV004697887.1).

ClinVar aggregate classification (germline): Uncertain significance (1 of 4 stars; one submission).

Conditions:
FG syndrome (FGS). Identifiers: MedGen C0220769, MONDO:0002010.

gnomAD v4.1: 1 of 1,211,009 alleles (0.000083%); highest among the groups gnomAD compares: African/African-American, 0.0017%; no homozygotes.

Submission:

Labcorp Genetics (formerly Invitae), Labcorp
Classification: Uncertain significance for FG syndrome. Last evaluated: 2025-12-03. Review status: criteria provided, single submitter. Criteria: Invitae Variant Classification Sherloc (09022015). Collection method: clinical testing. Allele origin: germline.
Comment: This sequence change replaces arginine, which is basic and polar, with glutamine, which is neutral and polar, at codon 1716 of the MED12 protein (p.Arg1716Gln). This variant is not present in population databases (gnomAD no frequency). This variant has not been reported in the literature in individuals affected with MED12-related conditions. Invitae Evidence Modeling of protein sequence and biophysical properties (such as structural, functional, and spatial information, amino acid conservation, physicochemical variation, residue mobility, and thermodynamic stability) indicates that this missense variant is not expected to disrupt MED12 protein function with a negative predictive value of 95%. In summary, the available evidence is currently insufficient to determine the role of this variant in disease. Therefore, it has been classified as a Variant of Uncertain Significance.